The following is an entry in ClinVar:

NM_000179.3(MSH6):c.3811dup (p.Val1271fs)

Gene: MSH6 (mutS homolog 6; plus strand). Cytogenetic location: 2p16.3.
Variant type: Duplication.
Coding change: c.3811dup on transcript NM_000179.3 (MANE Select); coding-DNA position 3811, one base duplicated (G; older notation c.3811dupG).
Protein change: p.Val1271fs; shifts the reading frame from valine 1271.
Molecular consequence: frameshift variant. On other transcripts: non-coding transcript variant (5), intron variant (2).
Genome position (GRCh38, 1-based): chr2:47,806,461, G duplicated; the last of 2 consecutive G bases (chr2:47,806,460-47,806,461); duplicating either gives the same sequence. VCF-style (leftmost placement, unchanged base first): chr2-47806459-T-TG. GRCh37 (hg19) VCF-style: chr2-48033598-T-TG.
Other names: c.3421dup, p.Val1141fs (NM_001281492.2); c.2905dup, p.Val969fs (NM_001281493.2, NM_001281494.2, NM_001406811.1 and 6 more transcripts); c.3907dup, p.Val1303fs (NM_001406795.1); c.3811dup, p.Val1271fs (NM_001406796.1, NM_001406808.1, NM_001406809.1); c.3514dup, p.Val1172fs (NM_001406797.1, NM_001406801.1, NM_001406805.1 and 10 more transcripts); c.3637dup, p.Val1213fs (NM_001406798.1); c.3286dup, p.Val1096fs (NM_001406799.1, NM_001406806.1, NM_001406807.1); c.2947dup, p.Val983fs (NM_001406803.1); and 9 more; short protein forms V1096fs, V1141fs, V1172fs, V1213fs, V1215fs, V1245fs, V1271fs, V1273fs.
Identifiers: ClinVar variation 3358986 (VCV003358986.2).

ClinVar aggregate classification (germline): Pathogenic (1 of 4 stars; one submission).

Conditions:
Lynch syndrome 5 (LYNCH5). Also called: Hereditary non-polyposis colorectal cancer, type 5; Colorectal cancer, hereditary nonpolyposis, type 5. Identifiers: Orphanet 144, MedGen C1833477, MONDO:0013710, OMIM 614350. Disease mechanism: loss of function.

Submission:

Institute of Human Genetics, University of Leipzig Medical Center
Classification: Pathogenic for Lynch syndrome 5. Last evaluated: 2024-05-07. Review status: criteria provided, single submitter. Criteria: ACMG Guidelines, 2015. Collection method: clinical testing. Allele origin: unknown. Affected: yes.
Comment: Criteria applied: PVS1,PM2_SUP,PP4